The following is an entry in ClinVar:

NM_002769.5(PRSS1):c.82T>G (p.Tyr28Asp)

Genes: PRSS1 (serine protease 1; plus strand), TRB (T cell receptor beta locus; plus strand). Cytogenetic location: 7q34.
Variant type: single nucleotide variant.
Coding change: c.82T>G on transcript NM_002769.5 (MANE Select); coding-DNA position 82, T replaced by G.
Protein change: p.Tyr28Asp; replaces tyrosine 28 with aspartic acid.
Molecular consequence: missense variant.
Genome position (GRCh38, 1-based): chr7:142,750,596, T>G. VCF-style: chr7-142750596-T-G. GRCh37 (hg19) VCF-style: chr7-142458447-T-G.
Other names: short protein forms Y28D.
Identifiers: ClinVar variation 827569 (VCV000827569.4), dbSNP rs1405433158, ClinGen allele CA369607137.
Genomic context (GRCh38, chr7:142,750,596, plus strand): 5'-CTTCCCATCTCCACTCCAGTTGCTGCCCCCTTTGATGATGATGACAAGATCGTTGGGGGC[T>G]ACAACTGTGAGGAGAATTCTGTCCCCTACCAGGTGTCCCTGAATTCTGGCTACCACTTCT-3'
Protein context (NP_002760.1, residues 18-38): FDDDDKIVGG[Tyr28Asp]NCEENSVPYQ

ClinVar aggregate classification (germline): Uncertain significance (1 of 4 stars; one submission).

Conditions:
Hereditary pancreatitis (PCTT). Also called: Hereditary chronic pancreatitis; PRSS1-Related Hereditary Pancreatitis. Identifiers: Orphanet 676, MedGen C0238339, MONDO:0008185, OMIM 167800.

Submission:

Ambry Genetics
Classification: Uncertain significance for Hereditary pancreatitis. Last evaluated: 2019-03-14. Review status: criteria provided, single submitter. Criteria: Ambry Variant Classification Scheme 2023. Collection method: clinical testing. Allele origin: germline.
Comment: The p.Y28D variant (also known as c.82T>G), located in coding exon 2 of the PRSS1 gene, results from a T to G substitution at nucleotide position 82. The tyrosine at codon 28 is replaced by aspartic acid, an amino acid with highly dissimilar properties. This amino acid position is not well conserved in available vertebrate species. In addition, the in silico prediction for this alteration is inconclusive. Since supporting evidence is limited at this time, the clinical significance of this alteration remains unclear.